The following is an entry in ClinVar:

ClinVar aggregate classification (germline): Uncertain significance (1 of 4 stars; one submission).

Submission:

Labcorp Genetics (formerly Invitae), Labcorp
Classification: Uncertain significance. Last evaluated: 2022-07-01. Review status: criteria provided, single submitter. Criteria: Invitae Variant Classification Sherloc (09022015). Collection method: clinical testing. Allele origin: germline.
Comment: In summary, the available evidence is currently insufficient to determine the role of this variant in disease. Therefore, it has been classified as a Variant of Uncertain Significance. Algorithms developed to predict the effect of missense changes on protein structure and function are either unavailable or do not agree on the potential impact of this missense change (SIFT: "Tolerated"; PolyPhen-2: "Probably Damaging"; Align-GVGD: "Class C0"). This variant has not been reported in the literature in individuals affected with HPS4-related conditions. This variant is not present in population databases (gnomAD no frequency). This sequence change replaces leucine, which is neutral and non-polar, with glutamine, which is neutral and polar, at codon 590 of the HPS4 protein (p.Leu590Gln).

NM_022081.6(HPS4):c.1769T>A (p.Leu590Gln)

Gene: HPS4 (HPS4 biogenesis of lysosomal organelles complex 3 subunit 2; minus strand). Cytogenetic location: 22q12.1.
Variant type: single nucleotide variant.
Coding change: c.1769T>A on transcript NM_022081.6 (MANE Select); coding-DNA position 1769, T replaced by A.
Protein change: p.Leu590Gln; replaces leucine 590 with glutamine.
Molecular consequence: missense variant. On other transcripts: non-coding transcript variant (8), intron variant (2).
Genome position (GRCh38, 1-based): chr22:26,458,522, A>T on the plus strand (T>A on the coding strand, the complement: HPS4 is on the minus strand). VCF-style: chr22-26458522-A-T. GRCh37 (hg19) VCF-style: chr22-26854488-A-T.
Other names: c.1769T>A, p.Leu590Gln (NM_001349896.1, NM_001349898.2, NM_001349899.2 and 3 more transcripts); c.1823T>A, p.Leu608Gln (NM_001349900.2, NM_001349901.1); c.1754T>A, p.Leu585Gln (NM_152841.2); c.1714-5118T>A (NM_001349902.1, NM_001349903.2); short protein forms L585Q, L608Q, L590Q.
Identifiers: ClinVar variation 2012701 (VCV002012701.4), dbSNP rs371342669, ClinGen allele CA411024514.
Genomic context (GRCh38, chr22:26,458,522, plus strand): 5'-ATGCGGTCGTAATGTGTGAAGTTGTAGGTGCTGCTCGTGGAGGCTGCCTCATCCCTGGGC[A>T]GCGTCTCTTTCAGGTGGACTTCCAGCCCATTCAGTGAAGCCAGGCTGCTGTGGTACTGCA-3'
Protein context (NP_071364.4, residues 580-600): NGLEVHLKET[Leu590Gln]PRDEAASTSS